The following is an entry in ClinVar:

ClinVar aggregate classification (germline): Uncertain significance. Review status: criteria provided, multiple submitters, no conflicts (2 of 4 stars). 2 submissions from 2 submitters: Uncertain significance (2). Last evaluated 2024-04-15.

Conditions:
Long QT syndrome (LQTS). Identifiers: MedGen C0023976, MeSH D008133, MONDO:0002442. Disease mechanism: loss of function. Inheritance: Various modes of inheritance.

gnomAD v4.1: 2 of 1,613,666 alleles (0.00012%); highest among the groups gnomAD compares: Non-Finnish European, 0.00017%; no homozygotes.

Submissions (2):

Labcorp Genetics (formerly Invitae), Labcorp
Classification: Uncertain significance for Long QT syndrome. Last evaluated: 2024-04-15. Review status: criteria provided, single submitter. Criteria: Invitae Variant Classification Sherloc (09022015). Collection method: clinical testing. Allele origin: germline.
Comment: This sequence change replaces leucine, which is neutral and non-polar, with proline, which is neutral and non-polar, at codon 311 of the KCNH2 protein (p.Leu311Pro). This variant is not present in population databases (gnomAD no frequency). This variant has not been reported in the literature in individuals affected with KCNH2-related conditions. An algorithm developed to predict the effect of missense changes on protein structure and function (PolyPhen-2) suggests that this variant is likely to be disruptive. In summary, the available evidence is currently insufficient to determine the role of this variant in disease. Therefore, it has been classified as a Variant of Uncertain Significance.

All of Us Research Program, National Institutes of Health
Classification: Uncertain significance for Long QT syndrome. Last evaluated: 2023-04-10. Review status: criteria provided, single submitter. Criteria: ACMG Guidelines, 2015. Collection method: clinical testing. Allele origin: germline. Inheritance: Autosomal dominant inheritance. Observed: 1 variant allele, 1 heterozygote.
Comment: This missense variant replaces leucine with proline at codon 311 of the KCNH2 protein. Computational prediction suggests that this variant may have deleterious impact on protein structure and function (internally defined REVEL score threshold >= 0.7, PMID: 27666373). To our knowledge, functional studies have not been reported for this variant. This variant has not been reported in individuals affected with KCNH2-related disorders in the literature. This variant has not been identified in the general population by the Genome Aggregation Database (gnomAD). The available evidence is insufficient to determine the role of this variant in disease conclusively. Therefore, this variant is classified as a Variant of Uncertain Significance.

This study involves interpretation of variants in research participants for the purpose of population health screening. Participant phenotype was not available at the time of variant classification. Additional details can be found in publication PMID: 35346344, PMCID: PMC8962531

NM_000238.4(KCNH2):c.932T>C (p.Leu311Pro)

Gene: KCNH2 (potassium voltage-gated channel subfamily H member 2; minus strand). Cytogenetic location: 7q36.1.
Variant type: single nucleotide variant.
Coding change: c.932T>C on transcript NM_000238.4 (MANE Select); coding-DNA position 932, T replaced by C.
Protein change: p.Leu311Pro; replaces leucine 311 with proline.
Molecular consequence: missense variant. On other transcripts: non-coding transcript variant (1).
Genome position (GRCh38, 1-based): chr7:150,957,487, A>G on the plus strand (T>C on the coding strand, the complement: KCNH2 is on the minus strand). VCF-style: chr7-150957487-A-G. GRCh37 (hg19) VCF-style: chr7-150654575-A-G.
Other names: c.644T>C, p.Leu215Pro (NM_001406753.1, NM_001406756.1); c.755T>C, p.Leu252Pro (NM_001406755.1); c.632T>C, p.Leu211Pro (NM_001406757.1); c.932T>C, p.Leu311Pro (NM_172056.3); short protein forms L211P, L215P, L252P, L311P.
Identifiers: ClinVar variation 3070467 (VCV003070467.3), dbSNP rs776378236, ClinGen allele CA369861909.